The following is an entry in ClinVar:

NM_001358530.2(MOCS1):c.1150+20G>A

Gene: MOCS1 (molybdenum cofactor synthesis 1; minus strand). Cytogenetic location: 6p21.2.
Variant type: single nucleotide variant.
Coding change: c.1150+20G>A on transcript NM_001358530.2 (MANE Select); 20 bases into the intron after coding-DNA position 1150, G replaced by A.
Molecular consequence: intron variant.
Genome position (GRCh38, 1-based): chr6:39,909,035, C>T on the plus strand (G>A on the coding strand, the complement: MOCS1 is on the minus strand). VCF-style: chr6-39909035-C-T. GRCh37 (hg19) VCF-style: chr6-39876811-C-T.
Other names: c.889+20G>A (NM_001358531.2); c.*7+5G>A (NM_001358533.2, NM_001075098.4, NM_001358534.2 and 1 more transcripts); c.1102+800G>A (NM_001358529.2).
Identifiers: ClinVar variation 692068 (VCV000692068.9), dbSNP rs752653792, ClinGen allele CA3796014.

ClinVar aggregate classification (germline): Conflicting classifications of pathogenicity. Review status: criteria provided, conflicting classifications (1 of 4 stars). 4 submissions from 4 submitters: Pathogenic (1); Likely pathogenic (1); Uncertain significance (2). Last evaluated 2026-03-10.

Conditions:
Sulfite oxidase deficiency due to molybdenum cofactor deficiency type A. Also called: Molybdenum Cofactor Deficiency A; Molybdenum cofactor deficiency, complementation group A. Identifiers: Orphanet 308386, Orphanet 833, MedGen C1854988, MONDO:0009643, OMIM 252150.

Allele frequency attached by ClinVar (database versions not stated): gnomAD 0.00001; ExAC 0.00002; gnomAD exomes 0.00002; TOPMed 0.00002.
gnomAD v4.1: 15 of 1,609,450 alleles (0.00093%); highest among the groups gnomAD compares: Admixed American, 0.013%; no homozygotes.

Submissions (4):

GeneDx
Classification: Uncertain significance. Last evaluated: 2026-03-10. Review status: criteria provided, single submitter. Criteria: GeneDx Variant Classification Process June 2021. Collection method: clinical testing. Allele origin: germline.
Comment: Intronic +5 splice site variant in a gene for which loss of function is a known mechanism of disease, and both splice predictors and evolutionary conservation support a deleterious effect, although in the absence of functional evidence the actual effect of this sequence change is unknown.; Located in a regulatory region; in the absence of functional studies, the actual effect of this sequence change is unknown; This variant is associated with the following publications: (PMID: 36757698, 32014857)

Labcorp Genetics (formerly Invitae), Labcorp
Classification: Uncertain significance for Sulfite oxidase deficiency due to molybdenum cofactor deficiency type A. Last evaluated: 2024-10-12. Review status: criteria provided, single submitter. Criteria: Invitae Variant Classification Sherloc (09022015). Collection method: clinical testing. Allele origin: germline.
Comment: This sequence change falls in intron 10 of the MOCS1 gene. It does not directly change the encoded amino acid sequence of the MOCS1 protein. This variant is present in population databases (rs752653792, gnomAD 0.01%). This variant has been observed in individual(s) with molybdenum cofactor deficiency (PMID: 32014857). This variant is also known as c.*7+5G>A. ClinVar contains an entry for this variant (Variation ID: 692068). Algorithms developed to predict the effect of sequence changes on RNA splicing suggest that this variant may disrupt the consensus splice site. In summary, the available evidence is currently insufficient to determine the role of this variant in disease. Therefore, it has been classified as a Variant of Uncertain Significance.

Fulgent Genetics
Classification: Pathogenic for Sulfite oxidase deficiency due to molybdenum cofactor deficiency type A. Last evaluated: 2024-05-09. Review status: criteria provided, single submitter. Criteria: ACMG Guidelines, 2015. Collection method: clinical testing. Allele origin: germline.

Rady Children's Institute for Genomic Medicine, Rady Children's Hospital San Diego
Classification: Likely pathogenic for MOLYBDENUM COFACTOR DEFICIENCY, COMPLEMENTATION GROUP A. Last evaluated: 2018-12-31. Review status: criteria provided, single submitter. Criteria: ACMG Guidelines, 2015. Collection method: clinical testing. Allele origin: germline. Affected: yes. Observed: 1 variant allele.
Comment: This variant has not been previously reported or functionally characterized in the literature to our knowledge, but a variant at the adjacent nucleotide (c.*7+6T>C) has been previously reported in a patient with molybdenum cofactor deficiency (PMID: 19544009). It is present in the heterozygous state in the gnomAD population database at a frequency of 0.002% (6/251428) and thus is presumed to be rare. Multiple splice prediction tools suggest this variant is likely interfere with normal splicing. Based on the available evidence, the c.*7+5G>A variant is classified as a variant of uncertain significance.

Literature cited by the submitters: PubMed 32014857 (cited by Labcorp Genetics (formerly Invitae), Labcorp).